The following is an entry in ClinVar:

ClinVar aggregate classification (germline): Uncertain significance. Review status: criteria provided, multiple submitters, no conflicts (2 of 4 stars). 2 submissions from 2 submitters: Uncertain significance (2). Last evaluated 2024-04-10.

Submissions (2):

GeneDx
Classification: Uncertain significance. Last evaluated: 2024-04-10. Review status: criteria provided, single submitter. Criteria: GeneDx Variant Classification Process June 2021. Collection method: clinical testing. Allele origin: germline. Affected: yes.
Comment: Not observed at significant frequency in large population cohorts (gnomAD); In silico analysis indicates that this missense variant does not alter protein structure/function; Has not been previously published as pathogenic or benign to our knowledge

Athena Diagnostics
Classification: Uncertain significance. Last evaluated: 2016-10-05. Review status: criteria provided, single submitter. Criteria: Athena Diagnostics Criteria. Collection method: clinical testing. Allele origin: germline.

NM_001122955.4(BSCL2):c.631G>A (p.Val211Met)

Genes: BSCL2 (BSCL2 lipid droplet biogenesis associated, seipin; minus strand), HNRNPUL2-BSCL2 (HNRNPUL2-BSCL2 readthrough (NMD candidate); minus strand). Cytogenetic location: 11q12.3.
Variant type: single nucleotide variant.
Coding change: c.631G>A on transcript NM_001122955.4 (MANE Select); coding-DNA position 631, G replaced by A.
Protein change: p.Val211Met; replaces valine 211 with methionine.
Molecular consequence: missense variant. On other transcripts: non-coding transcript variant (1).
Genome position (GRCh38, 1-based): chr11:62,692,797, C>T on the plus strand (G>A on the coding strand, the complement: BSCL2 is on the minus strand). VCF-style: chr11-62692797-C-T. GRCh37 (hg19) VCF-style: chr11-62460269-C-T.
Other names: c.439G>A, p.Val147Met (NM_001130702.2, NM_032667.6); c.631G>A, p.Val211Met (NM_001386027.1, NM_001386028.1); short protein forms V147M, V211M.
Identifiers: ClinVar variation 446898 (VCV000446898.2), dbSNP rs987465261, ClinGen allele CA380963552.